The following is an entry in ClinVar:

ClinVar aggregate classification (germline): Uncertain significance (1 of 4 stars; one submission).

Allele frequency attached by ClinVar (database versions not stated): ExAC 0.00001; gnomAD 0.00001; TOPMed 0.00002; gnomAD exomes 0.00003.
gnomAD v4.1: 40 of 1,614,042 alleles (0.0025%); highest among the groups gnomAD compares: Middle Eastern, 0.033%; no homozygotes.

Submission:

Labcorp Genetics (formerly Invitae), Labcorp
Classification: Uncertain significance. Last evaluated: 2024-01-22. Review status: criteria provided, single submitter. Criteria: Invitae Variant Classification Sherloc (09022015). Collection method: clinical testing. Allele origin: germline.
Comment: This sequence change replaces isoleucine, which is neutral and non-polar, with valine, which is neutral and non-polar, at codon 114 of the TRAPPC3 protein (p.Ile114Val). This variant is present in population databases (rs780808695, gnomAD 0.002%). This variant has not been reported in the literature in individuals affected with TRAPPC3-related conditions. ClinVar contains an entry for this variant (Variation ID: 2178619). Experimental studies and prediction algorithms are not available or were not evaluated, and the functional significance of this variant is currently unknown. In summary, the available evidence is currently insufficient to determine the role of this variant in disease. Therefore, it has been classified as a Variant of Uncertain Significance.

NM_014408.5(TRAPPC3):c.316A>G (p.Ile106Val)

Gene: TRAPPC3 (trafficking protein particle complex subunit 3; minus strand). Cytogenetic location: 1p34.3.
Variant type: single nucleotide variant.
Coding change: c.316A>G on transcript NM_014408.5 (MANE Select); coding-DNA position 316, A replaced by G.
Protein change: p.Ile106Val; replaces isoleucine 106 with valine.
Molecular consequence: missense variant. On other transcripts: non-coding transcript variant (1).
Genome position (GRCh38, 1-based): chr1:36,137,903, T>C on the plus strand (A>G on the coding strand, the complement: TRAPPC3 is on the minus strand). VCF-style: chr1-36137903-T-C. GRCh37 (hg19) VCF-style: chr1-36603504-T-C.
Other names: c.340A>G, p.Ile114Val (NM_001270894.2); c.178A>G, p.Ile60Val (NM_001270895.2, NM_001270896.2); c.118A>G, p.Ile40Val (NM_001270897.2); short protein forms I106V, I114V, I40V, I60V.
Identifiers: ClinVar variation 2178619 (VCV002178619.4), dbSNP rs780808695, ClinGen allele CA765270.